The following is an entry in ClinVar:

NM_001098.3(ACO2):c.917A>G (p.Tyr306Cys)

Gene: ACO2 (aconitase 2; plus strand). Cytogenetic location: 22q13.2.
Variant type: single nucleotide variant.
Coding change: c.917A>G on transcript NM_001098.3 (MANE Select); coding-DNA position 917, A replaced by G.
Protein change: p.Tyr306Cys; replaces tyrosine 306 with cysteine.
Molecular consequence: missense variant.
Genome position (GRCh38, 1-based): chr22:41,517,608, A>G. VCF-style: chr22-41517608-A-G. GRCh37 (hg19) VCF-style: chr22-41913612-A-G.
Other names: short protein forms Y306C.
Identifiers: ClinVar variation 1445697 (VCV001445697.6), dbSNP rs2146127350, ClinGen allele CA411722104.

ClinVar aggregate classification (germline): Uncertain significance (1 of 4 stars; one submission).

Submission:

Labcorp Genetics (formerly Invitae), Labcorp
Classification: Uncertain significance. Last evaluated: 2025-03-17. Review status: criteria provided, single submitter. Criteria: Invitae Variant Classification Sherloc (09022015). Collection method: clinical testing. Allele origin: germline.
Comment: This sequence change replaces tyrosine, which is neutral and polar, with cysteine, which is neutral and slightly polar, at codon 306 of the ACO2 protein (p.Tyr306Cys). This variant is not present in population databases (gnomAD no frequency). This variant has not been reported in the literature in individuals affected with ACO2-related conditions. ClinVar contains an entry for this variant (Variation ID: 1445697). Invitae Evidence Modeling of protein sequence and biophysical properties (such as structural, functional, and spatial information, amino acid conservation, physicochemical variation, residue mobility, and thermodynamic stability) indicates that this missense variant is expected to disrupt ACO2 protein function with a positive predictive value of 80%. In summary, the available evidence is currently insufficient to determine the role of this variant in disease. Therefore, it has been classified as a Variant of Uncertain Significance.